The following is an entry in ClinVar:

ClinVar aggregate classification (germline): Conflicting classifications of pathogenicity. Review status: criteria provided, conflicting classifications (1 of 4 stars). 3 submissions from 3 submitters: Uncertain significance (2); Likely benign (1). Last evaluated 2025-10-13.

Conditions:
Hereditary cancer-predisposing syndrome. Also called: Hereditary neoplastic syndrome; Tumor predisposition; Hereditary Cancer Syndrome; Neoplastic Syndromes, Hereditary. Identifiers: Orphanet 140162, MedGen C0027672, MeSH D009386, MONDO:0015356.
Neuroblastoma, susceptibility to, 3. Also called: ALK-Related Neuroblastic Tumor Susceptibility. Identifiers: Orphanet 635, MedGen C2751681, MONDO:0013083, OMIM 613014.

Allele frequency attached by ClinVar (database versions not stated): ExAC 0.00002; gnomAD exomes 0.00002; gnomAD 0.00006; TOPMed 0.00008.
gnomAD v4.1: 44 of 1,613,914 alleles (0.0027%); highest among the groups gnomAD compares: African/African-American, 0.021%; no homozygotes.

Submissions (3):

Labcorp Genetics (formerly Invitae), Labcorp
Classification: Uncertain significance for Neuroblastoma, susceptibility to, 3. Last evaluated: 2025-10-13. Review status: criteria provided, single submitter. Criteria: Invitae Variant Classification Sherloc (09022015). Collection method: clinical testing. Allele origin: germline.
Comment: This sequence change replaces proline, which is neutral and non-polar, with serine, which is neutral and polar, at codon 254 of the ALK protein (p.Pro254Ser). This variant is present in population databases (rs774815140, gnomAD 0.02%). This variant has not been reported in the literature in individuals affected with ALK-related conditions. ClinVar contains an entry for this variant (Variation ID: 579025). An algorithm developed to predict the effect of missense changes on protein structure and function (PolyPhen-2) suggests that this variant is likely to be disruptive. In summary, the available evidence is currently insufficient to determine the role of this variant in disease. Therefore, it has been classified as a Variant of Uncertain Significance.

Ambry Genetics
Classification: Likely benign for Hereditary cancer-predisposing syndrome. Last evaluated: 2024-10-28. Review status: criteria provided, single submitter. Criteria: Ambry Variant Classification Scheme 2023. Collection method: clinical testing. Allele origin: germline.

GeneDx
Classification: Uncertain significance. Last evaluated: 2024-09-10. Review status: criteria provided, single submitter. Criteria: GeneDx Variant Classification Process June 2021. Collection method: clinical testing. Allele origin: germline. Affected: yes.
Comment: In silico analysis indicates that this missense variant does not alter protein structure/function; Has not been previously published as pathogenic or benign to our knowledge

NM_004304.5(ALK):c.760C>T (p.Pro254Ser)

Gene: ALK (ALK receptor tyrosine kinase; minus strand). Cytogenetic location: 2p23.2.
Variant type: single nucleotide variant.
Coding change: c.760C>T on transcript NM_004304.5 (MANE Select); coding-DNA position 760, C replaced by T.
Protein change: p.Pro254Ser; replaces proline 254 with serine.
Molecular consequence: missense variant.
Genome position (GRCh38, 1-based): chr2:29,717,605, G>A on the plus strand (C>T on the coding strand, the complement: ALK is on the minus strand). VCF-style: chr2-29717605-G-A. GRCh37 (hg19) VCF-style: chr2-29940471-G-A.
Other names: short protein forms P254S.
Identifiers: ClinVar variation 579025 (VCV000579025.13), dbSNP rs774815140, ClinGen allele CA1594879.